The following is an entry in ClinVar:

ClinVar aggregate classification (germline): Pathogenic/Likely pathogenic. Review status: criteria provided, multiple submitters, no conflicts (2 of 4 stars). 4 submissions from 4 submitters: Pathogenic (2); Likely pathogenic (1). 1 of the submissions does not count toward it. Last evaluated 2024-12-19.

Conditions:
Familial adenomatous polyposis 1 (FAP1). Also called: FAMILIAL ADENOMATOUS POLYPOSIS 1, ATTENUATED; POLYPOSIS, ADENOMATOUS INTESTINAL. Identifiers: MedGen C2713442, MONDO:0021056, OMIM 175100. Disease mechanism: loss of function.
APC-related disorder. Also called: APC-related condition.
Hereditary cancer-predisposing syndrome. Also called: Hereditary neoplastic syndrome; Tumor predisposition; Hereditary Cancer Syndrome; Neoplastic Syndromes, Hereditary. Identifiers: Orphanet 140162, MedGen C0027672, MeSH D009386, MONDO:0015356.

Submissions (4):

Ambry Genetics
Classification: Likely pathogenic for Hereditary cancer-predisposing syndrome. Last evaluated: 2024-12-19. Review status: criteria provided, single submitter. Criteria: Ambry Variant Classification Scheme 2023. Collection method: clinical testing. Allele origin: germline.
Comment: The c.5646_5649delAAAG variant, located in coding exon 15 of the APC gene, results from a deletion of 4 nucleotides at nucleotide positions 5646 to 5649, causing a translational frameshift with a predicted alternate stop codon (p.K1883Qfs*17). This alteration occurs at the 3' terminus of theAPC gene, is not expected to trigger nonsense-mediated mRNA decay, and only impacts the last 34% of the protein. However, premature stop codons are typically deleterious in nature, the impacted region is critical for protein function, and a significant portion of the protein is affected (Ambry internal data). This variant is considered to be rare based on population cohorts in the Genome Aggregation Database (gnomAD). Based on the majority of available evidence to date, this variant is likely to be pathogenic.

Labcorp Genetics (formerly Invitae), Labcorp
Classification: Pathogenic for Familial adenomatous polyposis 1. Last evaluated: 2023-06-04. Review status: criteria provided, single submitter. Criteria: Invitae Variant Classification Sherloc (09022015). Collection method: clinical testing. Allele origin: germline.
Comment: This variant is not present in population databases (gnomAD no frequency). This sequence change creates a premature translational stop signal (p.Lys1883Glnfs*17) in the APC gene. While this is not anticipated to result in nonsense mediated decay, it is expected to disrupt the last 961 amino acid(s) of the APC protein. This variant has not been reported in the literature in individuals affected with APC-related conditions. A different truncation (p.Tyr2645Lysfs*14) that lies downstream of this variant has been determined to be pathogenic (PMID: 9824584, 1316610, 27081525, 8381579, 22135120, Invitae). This suggests that deletion of this region of the APC protein is causative of disease. For these reasons, this variant has been classified as Pathogenic. This variant is expected to disrupt the EB1 and HDLG binding sites, which mediate interactions with the cytoskeleton (PMID: 15311282, 17293347). While functional studies have not been performed to directly test the effect on APC protein function, this suggests that disruption of the C-terminal portion of the protein is functionally important.

Myriad Genetics, Inc.
Classification: Pathogenic for Familial adenomatous polyposis 1. Last evaluated: 2023-05-22. Review status: criteria provided, single submitter. Criteria: Myriad Autosomal Dominant, Autosomal Recessive and X-Linked Classification Criteria (2023). Collection method: clinical testing. Allele origin: unknown.
Comment: This variant is considered pathogenic. This variant creates a frameshift predicted to result in premature protein truncation.

PreventionGenetics, part of Exact Sciences
Classification: Pathogenic for APC-related condition. Last evaluated: 2024-09-06. Review status: no assertion criteria provided. Collection method: clinical testing. Allele origin: germline. Not counted in ClinVar's aggregate classification.
Comment: The APC c.5646_5649delAAAG variant is predicted to result in a frameshift and premature protein termination (p.Lys1883Glnfs*17). To our knowledge, this variant has not been reported in the literature or in a large population database, indicating this variant is rare. This variant has an interpretation of pathogenic in ClinVar. Frameshift variants in APC are expected to be pathogenic. This variant is interpreted as pathogenic.

Literature cited by the submitters: PubMed 9824584 (cited by Labcorp Genetics (formerly Invitae), Labcorp); PubMed 1316610 (cited by Labcorp Genetics (formerly Invitae), Labcorp); PubMed 27081525 (cited by Labcorp Genetics (formerly Invitae), Labcorp); PubMed 8381579 (cited by Labcorp Genetics (formerly Invitae), Labcorp); PubMed 22135120 (cited by Labcorp Genetics (formerly Invitae), Labcorp); PubMed 15311282 (cited by Labcorp Genetics (formerly Invitae), Labcorp); PubMed 17293347 (cited by Labcorp Genetics (formerly Invitae), Labcorp).

NM_000038.6(APC):c.5646_5649del (p.Lys1883fs)

Gene: APC (APC regulator of Wnt signaling pathway; plus strand). Cytogenetic location: 5q22.2.
Variant type: Deletion.
Coding change: c.5646_5649del on transcript NM_000038.6 (MANE Select); coding-DNA positions 5646 to 5649, 4 bases deleted (AAAG; older notation c.5646_5649delAAAG).
Protein change: p.Lys1883fs; shifts the reading frame from lysine 1883.
Molecular consequence: frameshift variant. On other transcripts: non-coding transcript variant (2).
Genome position (GRCh38, 1-based): chr5:112,841,240-112,841,243, AAAG deleted; deleting any 4 consecutive bases within chr5:112,841,237-112,841,243 gives the same sequence; the c. name uses the placement nearest the transcript's 3' end. VCF-style (leftmost placement, unchanged base first): chr5-112841236-TAAGA-T. GRCh37 (hg19) VCF-style: chr5-112176933-TAAGA-T.
Other names: c.5646_5649del, p.Lys1883fs (NM_001127510.3, NM_001354895.2, NM_001407450.1); c.5592_5595del, p.Lys1865fs (NM_001127511.3); c.5700_5703del, p.Lys1901fs (NM_001354896.2, NM_001407447.1, NM_001407448.1 and 1 more transcripts); c.5676_5679del, p.Lys1893fs (NM_001354897.2); c.5571_5574del, p.Lys1858fs (NM_001354898.2); c.5562_5565del, p.Lys1855fs (NM_001354899.2); c.5523_5526del, p.Lys1842fs (NM_001354900.2); c.5469_5472del, p.Lys1824fs (NM_001354901.2, NM_001407453.1); and 12 more; short protein forms K1499fs, K1600fs, K1723fs, K1754fs, K1757fs, K1782fs, K1792fs, K1800fs.
Identifiers: ClinVar variation 2583828 (VCV002583828.6), dbSNP rs2533657639, ClinGen allele CA2582341461.